The following is an entry in ClinVar:

ClinVar aggregate classification (germline): Uncertain significance (1 of 4 stars; one submission).

Conditions:
Charcot-Marie-Tooth disease type 2. Also called: Charcot-Marie-Tooth type 2. Identifiers: Orphanet 64746, MedGen C0270914, MONDO:0018993.

Allele frequency attached by ClinVar (database versions not stated): gnomAD 0.00001; TOPMed 0.00001.
gnomAD v4.1: 3 of 1,614,110 alleles (0.00019%); highest among the groups gnomAD compares: African/African-American, 0.0027%; no homozygotes.

Submission:

Labcorp Genetics (formerly Invitae), Labcorp
Classification: Uncertain significance for Charcot-Marie-Tooth disease type 2. Last evaluated: 2023-10-18. Review status: criteria provided, single submitter. Criteria: Invitae Variant Classification Sherloc (09022015). Collection method: clinical testing. Allele origin: germline.
Comment: This sequence change replaces threonine, which is neutral and polar, with isoleucine, which is neutral and non-polar, at codon 941 of the AARS protein (p.Thr941Ile). This variant is present in population databases (no rsID available, gnomAD 0.007%). This variant has not been reported in the literature in individuals affected with AARS-related conditions. ClinVar contains an entry for this variant (Variation ID: 1960914). Advanced modeling of protein sequence and biophysical properties (such as structural, functional, and spatial information, amino acid conservation, physicochemical variation, residue mobility, and thermodynamic stability) performed at Invitae indicates that this missense variant is not expected to disrupt AARS protein function. In summary, the available evidence is currently insufficient to determine the role of this variant in disease. Therefore, it has been classified as a Variant of Uncertain Significance.

NM_001605.3(AARS1):c.2822C>T (p.Thr941Ile)

Gene: AARS1 (alanyl-tRNA synthetase 1; minus strand). Cytogenetic location: 16q22.1.
Variant type: single nucleotide variant.
Coding change: c.2822C>T on transcript NM_001605.3 (MANE Select); coding-DNA position 2822, C replaced by T.
Protein change: p.Thr941Ile; replaces threonine 941 with isoleucine.
Molecular consequence: missense variant.
Genome position (GRCh38, 1-based): chr16:70,252,806, G>A on the plus strand (C>T on the coding strand, the complement: AARS1 is on the minus strand). VCF-style: chr16-70252806-G-A. GRCh37 (hg19) VCF-style: chr16-70286709-G-A.
Other names: short protein forms T941I.
Identifiers: ClinVar variation 1960914 (VCV001960914.5), dbSNP rs1162296420, ClinGen allele CA396554353.